The following is an entry in ClinVar:

NM_015272.5(RPGRIP1L):c.1886C>T (p.Pro629Leu)

Gene: RPGRIP1L (RPGRIP1 like; minus strand). Cytogenetic location: 16q12.2.
Variant type: single nucleotide variant.
Coding change: c.1886C>T on transcript NM_015272.5 (MANE Select); coding-DNA position 1886, C replaced by T.
Protein change: p.Pro629Leu; replaces proline 629 with leucine.
Molecular consequence: missense variant.
Genome position (GRCh38, 1-based): chr16:53,652,801, G>A on the plus strand (C>T on the coding strand, the complement: RPGRIP1L is on the minus strand). VCF-style: chr16-53652801-G-A. GRCh37 (hg19) VCF-style: chr16-53686713-G-A.
Other names: c.1886C>T (NM_015272.4); c.1886C>T, p.Pro629Leu (NM_001127897.4, NM_001308334.3, NM_001330538.2); short protein forms P629L.
Identifiers: ClinVar variation 657315 (VCV000657315.9), dbSNP rs374098422, ClinGen allele CA8057678.

ClinVar aggregate classification (germline): Uncertain significance. Review status: criteria provided, multiple submitters, no conflicts (2 of 4 stars). 5 submissions from 5 submitters: Uncertain significance (3). 2 of the submissions do not count toward it. Last evaluated 2024-05-16.

Conditions:
Joubert syndrome. Also called: JOUBERT-BOLTSHAUSER SYNDROME; Familial aplasia of the vermis. Identifiers: Orphanet 475, MedGen C5979921, MONDO:0018772.
Meckel-Gruber syndrome. Also called: DYSENCEPHALIA SPLANCHNOCYSTICA; GRUBER SYNDROME; Dysencephalia splachnocystica. Identifiers: Orphanet 564, MedGen C0265215, MONDO:0018921.
Meckel syndrome, type 5 (MKS5). Identifiers: Orphanet 564, MedGen C1969052, MONDO:0012695, OMIM 611561.
Joubert syndrome 7 (JBTS7). Identifiers: Orphanet 220497, MedGen C1969053, MONDO:0012694, OMIM 611560.
COACH syndrome 3. Identifiers: MedGen C5436841, MONDO:0030862, OMIM 619113.
RPGRIP1L-related disorder. Also called: RPGRIP1L-related disorders; RPGRIP1L-related condition. Identifiers: MedGen CN239416.
Inborn genetic diseases. Identifiers: MedGen C0950123, MeSH D030342.

Allele frequency attached by ClinVar (database versions not stated): gnomAD exomes below 0.00001 and 0.00002; ExAC 0.00002; gnomAD 0.00003 and 0.00004; TOPMed 0.00003; ESP Exome Variant Server 0.00008.
gnomAD v4.1: 12 of 1,613,982 alleles (0.00074%); highest among the groups gnomAD compares: African/African-American, 0.0027%; no homozygotes.

Submissions (5):

Ambry Genetics
Classification: Uncertain significance for Inborn genetic diseases. Last evaluated: 2024-05-16. Review status: criteria provided, single submitter. Criteria: Ambry Variant Classification Scheme 2023. Collection method: clinical testing. Allele origin: germline.

Fulgent Genetics
Classification: Uncertain significance for Joubert syndrome 7; Meckel syndrome, type 5; COACH syndrome 3. Last evaluated: 2022-02-02. Review status: criteria provided, single submitter. Criteria: ACMG Guidelines, 2015. Collection method: clinical testing. Allele origin: unknown.

Labcorp Genetics (formerly Invitae), Labcorp
Classification: Uncertain significance for Joubert syndrome; Meckel-Gruber syndrome. Last evaluated: 2021-11-30. Review status: criteria provided, single submitter. Criteria: Invitae Variant Classification Sherloc (09022015). Collection method: clinical testing. Allele origin: germline.
Comment: This sequence change replaces proline, which is neutral and non-polar, with leucine, which is neutral and non-polar, at codon 629 of the RPGRIP1L protein (p.Pro629Leu). This variant is present in population databases (rs374098422, gnomAD 0.008%). This variant has not been reported in the literature in individuals affected with RPGRIP1L-related conditions. ClinVar contains an entry for this variant (Variation ID: 657315). Algorithms developed to predict the effect of missense changes on protein structure and function output the following: SIFT: "Tolerated"; PolyPhen-2: "Benign"; Align-GVGD: "Class C0". The leucine amino acid residue is found in multiple mammalian species, which suggests that this missense change does not adversely affect protein function. In summary, the available evidence is currently insufficient to determine the role of this variant in disease. Therefore, it has been classified as a Variant of Uncertain Significance.

PreventionGenetics, part of Exact Sciences
Classification: Uncertain significance for RPGRIP1L-related condition. Last evaluated: 2024-08-20. Review status: no assertion criteria provided. Collection method: clinical testing. Allele origin: germline. Not counted in ClinVar's aggregate classification.
Comment: The RPGRIP1L c.1886C>T variant is predicted to result in the amino acid substitution p.Pro629Leu. To our knowledge, this variant has not been reported in the literature. This variant is reported in 0.0080% of alleles in individuals of African descent in gnomAD. At this time, the clinical significance of this variant is uncertain due to the absence of conclusive functional and genetic evidence.

Natera, Inc.
Classification: Uncertain significance for Joubert syndrome. Last evaluated: 2020-09-15. Review status: no assertion criteria provided. Collection method: clinical testing. Allele origin: germline. Not counted in ClinVar's aggregate classification.